The following is an entry in ClinVar:

NM_002291.3(LAMB1):c.1729C>T (p.Gln577Ter)

Gene: LAMB1 (laminin subunit beta 1; minus strand). Cytogenetic location: 7q31.1.
Variant type: single nucleotide variant.
Coding change: c.1729C>T on transcript NM_002291.3 (MANE Select); coding-DNA position 1729, C replaced by T.
Protein change: p.Gln577Ter; replaces glutamine 577 with a stop codon.
Molecular consequence: nonsense.
Genome position (GRCh38, 1-based): chr7:107,963,033, G>A on the plus strand (C>T on the coding strand, the complement: LAMB1 is on the minus strand). VCF-style: chr7-107963033-G-A. GRCh37 (hg19) VCF-style: chr7-107603478-G-A.
Other names: short protein forms Q577*.
Identifiers: ClinVar variation 1373852 (VCV001373852.6), dbSNP rs769381358, ClinGen allele CA4435901.

ClinVar aggregate classification (germline): Pathogenic. Review status: criteria provided, multiple submitters, no conflicts (2 of 4 stars). 2 submissions from 2 submitters: Pathogenic (2). Last evaluated 2022-03-09.

Allele frequency attached by ClinVar (database versions not stated): TOPMed below 0.00001; ExAC 0.00001; gnomAD 0.00001.
gnomAD v4.1: 13 of 1,613,766 alleles (0.00081%); highest among the groups gnomAD compares: African/African-American, 0.0013%; no homozygotes.

Submissions (2):

Institute for Clinical Genetics, University Hospital TU Dresden, University Hospital TU Dresden
Classification: Pathogenic. Last evaluated: 2022-03-09. Review status: criteria provided, single submitter. Criteria: ACMG Guidelines, 2015. Collection method: clinical testing. Allele origin: maternal.
Comment: PVS1, PM2_SUP

Labcorp Genetics (formerly Invitae), Labcorp
Classification: Pathogenic. Last evaluated: 2021-12-02. Review status: criteria provided, single submitter. Criteria: Invitae Variant Classification Sherloc (09022015). Collection method: clinical testing. Allele origin: germline.
Comment: This sequence change creates a premature translational stop signal (p.Gln577*) in the LAMB1 gene. It is expected to result in an absent or disrupted protein product. Loss-of-function variants in LAMB1 are known to be pathogenic (PMID: 23472759, 25925986). This variant is present in population databases (rs769381358, gnomAD 0.002%). This variant has not been reported in the literature in individuals affected with LAMB1-related conditions. For these reasons, this variant has been classified as Pathogenic.

Literature cited by the submitters: PubMed 23472759 (cited by Labcorp Genetics (formerly Invitae), Labcorp); PubMed 25925986 (cited by Labcorp Genetics (formerly Invitae), Labcorp).